The following is an entry in ClinVar:

ClinVar aggregate classification (germline): Benign/Likely benign. Review status: criteria provided, multiple submitters, no conflicts (2 of 4 stars). 8 submissions from 8 submitters: Benign (4); Likely benign (3). 1 of the submissions does not count toward it. Last evaluated 2026-02-03.

Conditions:
AKAP9-related disorder. Also called: AKAP9-related condition.
Cardiovascular phenotype. Identifiers: MedGen CN230736.
Long QT syndrome (LQTS). Identifiers: MedGen C0023976, MeSH D008133, MONDO:0002442. Disease mechanism: loss of function. Inheritance: Various modes of inheritance.
Long QT syndrome 11 (LQT11). Identifiers: Orphanet 101016, Orphanet 768, MedGen C2678483, MONDO:0012738, OMIM 611820.

Allele frequency attached by ClinVar (database versions not stated): gnomAD exomes 0.00024 and 0.00061; ExAC 0.00063; ESP Exome Variant Server 0.00146; 1000 Genomes Project 30x 0.00156; 1000 Genomes Project 0.00160; gnomAD 0.00244 and 0.00253; TOPMed 0.00261.
gnomAD v4.1: 732 of 1,614,144 alleles (0.045%); highest among the groups gnomAD compares: African/African-American, 0.82%; 5 homozygotes.

Submissions (8):

Labcorp Genetics (formerly Invitae), Labcorp
Classification: Benign for Long QT syndrome. Last evaluated: 2026-02-03. Review status: criteria provided, single submitter. Criteria: Invitae Variant Classification Sherloc (09022015). Collection method: clinical testing. Allele origin: germline.

CeGaT Center for Human Genetics Tuebingen
Classification: Benign. Last evaluated: 2025-03-01. Review status: criteria provided, single submitter. Criteria: CeGaT Center For Human Genetics Tuebingen Variant Classification Criteria Version 2. Collection method: clinical testing. Allele origin: germline. Affected: yes. Observed: 1 variant allele.
Comment: AKAP9: BP4, BS1, BS2

Blueprint Genetics
Classification: Likely benign. Last evaluated: 2024-11-26. Review status: criteria provided, single submitter. Criteria: ACMG Guidelines, 2015. Collection method: clinical testing. Allele origin: germline.

Genome-Nilou Lab
Classification: Benign for Long QT syndrome 11. Last evaluated: 2021-12-05. Review status: criteria provided, single submitter. Criteria: ACMG Guidelines, 2015. Collection method: clinical testing. Allele origin: germline. Affected: no.

Ambry Genetics
Classification: Likely benign for Cardiovascular phenotype. Last evaluated: 2019-04-19. Review status: criteria provided, single submitter. Criteria: Ambry Variant Classification Scheme 2023. Collection method: clinical testing. Allele origin: germline.

GeneDx
Classification: Benign. Last evaluated: 2012-01-20. Review status: criteria provided, single submitter. Criteria: GeneDx Variant Classification (06012015). Collection method: clinical testing. Allele origin: germline. Affected: yes.
Comment: This variant is considered likely benign or benign based on one or more of the following criteria: it is a conservative change, it occurs at a poorly conserved position in the protein, it is predicted to be benign by multiple in silico algorithms, and/or has population frequency not consistent with disease.

Breakthrough Genomics
Classification: Likely benign. Review status: criteria provided, single submitter. Criteria: ACMG Guidelines, 2015. Collection method: not provided. Allele origin: germline. Inheritance: Autosomal dominant inheritance. Affected: yes.

PreventionGenetics, part of Exact Sciences
Classification: Likely benign for AKAP9-related condition. Last evaluated: 2020-06-01. Review status: no assertion criteria provided. Collection method: clinical testing. Allele origin: germline. Not counted in ClinVar's aggregate classification.
Comment: This variant is classified as likely benign based on ACMG/AMP sequence variant interpretation guidelines (Richards et al. 2015 PMID: 25741868, with internal and published modifications).

NM_005751.5(AKAP9):c.7638A>G (p.Ile2546Met)

Gene: AKAP9 (A-kinase anchoring protein 9; plus strand). Cytogenetic location: 7q21.2.
Variant type: single nucleotide variant.
Coding change: c.7638A>G on transcript NM_005751.5 (MANE Select); coding-DNA position 7638, A replaced by G.
Protein change: p.Ile2546Met; replaces isoleucine 2546 with methionine.
Molecular consequence: missense variant.
Genome position (GRCh38, 1-based): chr7:92,079,771, A>G. VCF-style: chr7-92079771-A-G. GRCh37 (hg19) VCF-style: chr7-91709085-A-G.
Other names: p.I2546M:ATA>ATG; c.2283A>G, p.Ile761Met (NM_001379277.1); c.7614A>G, p.Ile2538Met (NM_147185.3); short protein forms I2546M, I2538M, I761M.
Identifiers: ClinVar variation 136339 (VCV000136339.28), dbSNP rs144662445, ClinGen allele CA289361.